The following is an entry in ClinVar:

ClinVar aggregate classification (germline): Uncertain significance (1 of 4 stars; one submission).

Conditions:
Hereditary cancer-predisposing syndrome. Also called: Neoplastic Syndromes, Hereditary; Tumor predisposition; Hereditary Cancer Syndrome; Hereditary neoplastic syndrome. Identifiers: Orphanet 140162, MedGen C0027672, MeSH D009386, MONDO:0015356.

Allele frequency attached by ClinVar (database versions not stated): gnomAD exomes below 0.00001.
gnomAD v4.1: 2 of 1,613,850 alleles (0.00012%); highest among the groups gnomAD compares: Non-Finnish European, 0.00017%; no homozygotes.

Submission:

Ambry Genetics
Classification: Uncertain significance for Hereditary cancer-predisposing syndrome. Last evaluated: 2026-05-12. Review status: criteria provided, single submitter. Criteria: Ambry Variant Classification Scheme 2023. Collection method: clinical testing. Allele origin: germline.
Comment: The c.10092T>C variant (also known as p.S3364S), located in coding exon 26 of the BRCA2 gene, results from a T to C substitution at nucleotide position 10092. This nucleotide substitution does not change the amino acid at codon 3364. This nucleotide position is well conserved in available vertebrate species. In silico splice site analysis for this alteration is inconclusive, and direct evidence is insufficient at this time (Ambry internal data). Based on the available evidence, the clinical significance of this variant remains unclear.

NM_000059.4(BRCA2):c.10092T>C (p.Ser3364=)

Gene: BRCA2 (BRCA2 DNA repair associated; plus strand). Cytogenetic location: 13q13.1.
Variant type: single nucleotide variant.
Coding change: c.10092T>C on transcript NM_000059.4 (MANE Select); coding-DNA position 10092, T replaced by C.
Protein change: p.Ser3364=; no amino-acid change (serine 3364 retained).
Molecular consequence: synonymous variant. On other transcripts: non-coding transcript variant (1).
Genome position (GRCh38, 1-based): chr13:32,398,605, T>C. VCF-style: chr13-32398605-T-C. GRCh37 (hg19) VCF-style: chr13-32972742-T-C.
Other names: c.9996T>C, p.Ser3332= (NM_001406719.1); c.10041T>C, p.Ser3347= (NM_001406720.1); c.5160T>C, p.Ser1720= (NM_001406721.1); c.3675T>C, p.Ser1225= (NM_001406722.1).
Identifiers: ClinVar variation 1793326 (VCV001793326.3), dbSNP rs1214850775, ClinGen allele CA483440509.